The following is an entry in ClinVar:

NM_031443.4(CCM2):c.344T>G (p.Leu115Arg)

Gene: CCM2 (CCM2 scaffold protein; plus strand). Cytogenetic location: 7p13.
Variant type: single nucleotide variant.
Coding change: c.344T>G on transcript NM_031443.4 (MANE Select); coding-DNA position 344, T replaced by G.
Protein change: p.Leu115Arg; replaces leucine 115 with arginine.
Molecular consequence: missense variant. On other transcripts: non-coding transcript variant (1).
Genome position (GRCh38, 1-based): chr7:45,064,518, T>G. VCF-style: chr7-45064518-T-G. GRCh37 (hg19) VCF-style: chr7-45104117-T-G.
Other names: c.407T>G, p.Leu136Arg (NM_001029835.2); c.170T>G, p.Leu57Arg (NM_001167934.2, NM_001363459.2); c.344T>G, p.Leu115Arg (NM_001167935.2, NM_001363458.2); short protein forms L115R, L136R, L57R.
Identifiers: ClinVar variation 1367213 (VCV001367213.8), dbSNP rs2128747658, ClinGen allele CA367429919.

ClinVar aggregate classification (germline): Uncertain significance (1 of 4 stars; one submission).

Conditions:
Cerebral cavernous malformation 2. Also called: Familial Cerebral Cavernous Malformation 2. Identifiers: Orphanet 221061, MedGen C1864041, MONDO:0011304, OMIM 603284.

Submission:

Labcorp Genetics (formerly Invitae), Labcorp
Classification: Uncertain significance for Cerebral cavernous malformation 2. Last evaluated: 2021-05-18. Review status: criteria provided, single submitter. Criteria: Invitae Variant Classification Sherloc (09022015). Collection method: clinical testing. Allele origin: germline.
Comment: This sequence change replaces leucine with arginine at codon 115 of the CCM2 protein (p.Leu115Arg). The leucine residue is highly conserved and there is a moderate physicochemical difference between leucine and arginine. In summary, the available evidence is currently insufficient to determine the role of this variant in disease. Therefore, it has been classified as a Variant of Uncertain Significance. Experimental studies have shown that this variant affects CCM2 protein function (PMID: 25525273). This variant has been observed in individual(s) with cerebral cavernous malformation (PMID: 25525273, Invitae). This variant is not present in population databases (ExAC no frequency).

Literature cited by the submitters: PubMed 25525273.